The following is an entry in ClinVar:

ClinVar aggregate classification (germline): Conflicting classifications of pathogenicity. Review status: criteria provided, conflicting classifications (1 of 4 stars). 2 submissions from 2 submitters: Uncertain significance (1); Benign (1). Last evaluated 2018-08-14.

Conditions:
Gonadotropin-independent familial sexual precocity. Also called: TESTOTOXICOSIS, FAMILIAL; Familial male-limited precocious puberty. Identifiers: Orphanet 3000, MedGen C0342549, MONDO:0008303, OMIM 176410.

Allele frequency attached by ClinVar (database versions not stated): gnomAD exomes 0.10155; ESP Exome Variant Server 0.11430; gnomAD 0.11909 and 0.12207; TOPMed 0.12549; 1000 Genomes Project 0.14876; 1000 Genomes Project 30x 0.15240.

Submissions (2):

GeneDx
Classification: Benign. Last evaluated: 2018-08-14. Review status: criteria provided, single submitter. Criteria: GeneDx Variant Classification Process June 2021. Collection method: clinical testing. Allele origin: germline. Affected: yes.

Women's Health and Genetics/Laboratory Corporation of America, LabCorp
Classification: Uncertain significance for Familial Male-Limited Precocious Puberty. Last evaluated: 2011-08-18. Review status: criteria provided, single submitter. Criteria: LabCorp Variant Classification Summary - May 2015. Collection method: curation, clinical testing. Allele origin: germline. Inheritance: autosomal unknown. Affected: yes.
ClinVar note: Converted during submission from uncertain to Uncertain significance.

NM_000233.4(LHCGR):c.605+52del

Genes: LHCGR (luteinizing hormone/choriogonadotropin receptor; minus strand), STON1-GTF2A1L (STON1-GTF2A1L readthrough; plus strand). Cytogenetic location: 2p16.3.
Variant type: Deletion.
Coding change: c.605+52del on transcript NM_000233.4 (MANE Select); 52 bases into the intron after coding-DNA position 605, one base deleted (T; older notation c.605+52delT).
Molecular consequence: intron variant.
Genome position (GRCh38, 1-based): chr2:48,713,934, A deleted on the plus strand (T on the coding strand, the reverse complement: LHCGR is on the minus strand). VCF-style (leftmost placement, unchanged base first): chr2-48713933-CA-C. GRCh37 (hg19) VCF-style: chr2-48941072-CA-C.
Other names: c.3441+42254del (NM_001198593.2).
Identifiers: ClinVar variation 36470 (VCV000036470.5), dbSNP rs111834744, ClinGen allele CA214135.